The following is an entry in ClinVar:

ClinVar aggregate classification (germline): Conflicting classifications of pathogenicity. Review status: criteria provided, conflicting classifications (1 of 4 stars). 4 submissions from 4 submitters: Uncertain significance (2); Likely benign (2). Last evaluated 2026-01-09.

Conditions:
3M syndrome 1. Also called: 3-M Syndrome, CUL7-Related. Identifiers: Orphanet 2616, MedGen C2678312, MONDO:0010117, OMIM 273750.

Allele frequency attached by ClinVar (database versions not stated): gnomAD exomes 0.00034 and 0.00035; ExAC 0.00040; 1000 Genomes Project 30x 0.00047; 1000 Genomes Project 0.00060; gnomAD 0.00100 and 0.00108; TOPMed 0.00105; ESP Exome Variant Server 0.00131.
gnomAD v4.1: 663 of 1,614,180 alleles (0.041%); highest among the groups gnomAD compares: African/African-American, 0.33%; no homozygotes.

Submissions (4):

Labcorp Genetics (formerly Invitae), Labcorp
Classification: Likely benign. Last evaluated: 2026-01-09. Review status: criteria provided, single submitter. Criteria: Invitae Variant Classification Sherloc (09022015). Collection method: clinical testing. Allele origin: germline.

Women's Health and Genetics/Laboratory Corporation of America, LabCorp
Classification: Likely benign. Last evaluated: 2026-01-07. Review status: criteria provided, single submitter. Criteria: LabCorp Variant Classification Summary - May 2015. Collection method: clinical testing. Allele origin: germline.
Comment: Variant summary: CUL7 c.136C>T (p.Arg46Trp) results in a non-conservative amino acid change in the encoded protein sequence. Algorithms developed to predict the effect of missense changes on protein structure and function are either unavailable or do not agree on the potential impact of this missense change. The variant allele was found at a frequency of 0.00034 in 251310 control chromosomes, predominantly at a frequency of 0.0028 within the African or African-American subpopulation in the gnomAD database. The observed variant frequency within African or African-American control individuals in the gnomAD database exceeds the estimated maximal expected allele frequency for disease-causing variants in CUL7. To our knowledge, no occurrence of c.136C>T in individuals affected with CUL7-related conditions and no experimental evidence demonstrating its impact on protein function have been reported. The following publications have been ascertained in the context of this evaluation (PMID: 32906206, 40809927, 33024263). ClinVar contains an entry for this variant (Variation ID: 195300). Based on the evidence outlined above, the variant was classified as likely benign.

Illumina Laboratory Services, Illumina
Classification: Uncertain significance for 3M syndrome 1. Last evaluated: 2018-01-12. Review status: criteria provided, single submitter. Criteria: ICSL Variant Classification Criteria 13 December 2019. Collection method: clinical testing. Allele origin: germline.

Eurofins Ntd Llc (ga)
Classification: Uncertain significance. Last evaluated: 2015-02-16. Review status: criteria provided, single submitter. Criteria: EGL Classification Definitions 2015. Collection method: clinical testing. Allele origin: germline. Observed: 2 variant alleles, 2 heterozygotes.

Literature cited by the submitters: PubMed 32906206 (cited by Women's Health and Genetics/Laboratory Corporation of America, LabCorp); PubMed 33024263 (cited by Women's Health and Genetics/Laboratory Corporation of America, LabCorp); PubMed 40809927 (cited by Women's Health and Genetics/Laboratory Corporation of America, LabCorp).

NM_014780.5(CUL7):c.136C>T (p.Arg46Trp)

Gene: CUL7 (cullin 7; minus strand). Cytogenetic location: 6p21.1.
Variant type: single nucleotide variant.
Coding change: c.136C>T on transcript NM_014780.5 (MANE Select); coding-DNA position 136, C replaced by T.
Protein change: p.Arg46Trp; replaces arginine 46 with tryptophan.
Molecular consequence: missense variant.
Genome position (GRCh38, 1-based): chr6:43,052,653, G>A on the plus strand (C>T on the coding strand, the complement: CUL7 is on the minus strand). VCF-style: chr6-43052653-G-A. GRCh37 (hg19) VCF-style: chr6-43020391-G-A.
Other names: c.136C>T, p.Arg46Trp (NM_001168370.2, NM_001374872.1, NM_001374873.1 and 1 more transcripts); short protein forms R46W.
Identifiers: ClinVar variation 195300 (VCV000195300.21), dbSNP rs141692693, ClinGen allele CA241667.
Genomic context (GRCh38, chr6:43,052,653, plus strand): 5'-GGATGTGCTCAGCCTTGCAGTCCACTTGGCCAGAGCCCCCGTCCCCCTCATCGCCACGCC[G>A]CAGGATGAGCCAACGGATCTGGTACTCAGGATGCCCATCATGGCCCACGCGCTGGCGGAT-3'
Protein context (NP_055595.2, residues 36-56): PEYQIRWLIL[Arg46Trp]RGDEGDGGSG